The following is an entry in ClinVar:

NM_153816.6(SNX14):c.2259CAA[1] (p.Asn754del)

Gene: SNX14 (sorting nexin 14; minus strand). Cytogenetic location: 6q14.3.
Variant type: Microsatellite.
Coding change: c.2259CAA[1] on transcript NM_153816.6 (MANE Select); one copy of the 3-base unit CAA starting at c.2259; the reference has two copies in a row; one copy, 3 bases deleted.
Protein change: p.Asn754del; deletes asparagine 754.
Molecular consequence: inframe deletion. On other transcripts: non-coding transcript variant (6).
Genome position (GRCh38, 1-based): chr6:85,517,760-85,517,762, TTG deleted on the plus strand (CAA on the coding strand, the reverse complement: SNX14 is on the minus strand); deleting any 3 consecutive bases within chr6:85,517,760-85,517,767 gives the same sequence; the position shown is the placement nearest the transcript's 3' end. VCF-style (leftmost placement, unchanged base first): chr6-85517759-CTTG-C. GRCh37 (hg19) VCF-style: chr6-86227477-CTTG-C.
Other names: c.2232CAA[1], p.Asn745del (NM_001297614.3, NM_001350541.2); c.2103CAA[1], p.Asn702del (NM_001304479.2); c.2322CAA[1], p.Asn775del (NM_001350532.2); c.2256CAA[1], p.Asn753del (NM_001350533.2, NM_001350535.2); c.2229CAA[1], p.Asn744del (NM_001350534.2); c.2127CAA[1], p.Asn710del (NM_001350536.2); c.2124CAA[1], p.Asn709del (NM_001350537.2); c.2115CAA[1], p.Asn706del (NM_001350538.2); and 9 more; short protein forms N360del, N369del, N404del, N606del, N654del, N657del, N658del, N701del.
Identifiers: ClinVar variation 1309016 (VCV001309016.2), dbSNP rs746360312, ClinGen allele CA3911916.

ClinVar aggregate classification (germline): Uncertain significance (1 of 4 stars; one submission).

Submission:

GeneDx
Classification: Uncertain significance. Last evaluated: 2019-10-04. Review status: criteria provided, single submitter. Criteria: GeneDx Variant Classification Process June 2021. Collection method: clinical testing. Allele origin: germline. Affected: yes.
Comment: In-frame deletion of 1 amino acid in a non-repeat region; In silico analysis, which includes protein predictors and evolutionary conservation, supports that this variant does not alter protein structure/function; Has not been previously published as pathogenic or benign to our knowledge